The following is an entry in ClinVar:

NM_000399.5(EGR2):c.854C>G (p.Ala285Gly)

Gene: EGR2 (early growth response 2; minus strand). Cytogenetic location: 10q21.3.
Variant type: single nucleotide variant.
Coding change: c.854C>G on transcript NM_000399.5 (MANE Select); coding-DNA position 854, C replaced by G.
Protein change: p.Ala285Gly; replaces alanine 285 with glycine.
Molecular consequence: missense variant.
Genome position (GRCh38, 1-based): chr10:62,813,784, G>C on the plus strand (C>G on the coding strand, the complement: EGR2 is on the minus strand). VCF-style: chr10-62813784-G-C. GRCh37 (hg19) VCF-style: chr10-64573544-G-C.
Other names: c.854C>G, p.Ala285Gly (NM_001136177.3, NM_001136178.2); c.704C>G, p.Ala235Gly (NM_001136179.3, NM_001321037.2); short protein forms A235G, A285G.
Identifiers: ClinVar variation 1330838 (VCV001330838.7), dbSNP rs1181205792, ClinGen allele CA377028594.

ClinVar aggregate classification (germline): Uncertain significance (1 of 4 stars; one submission).

gnomAD v4.1: 1 of 1,613,088 alleles (0.000062%); highest among the groups gnomAD compares: African/African-American, 0.0013%; no homozygotes.

Submission:

ARUP Laboratories, Molecular Genetics and Genomics, ARUP Laboratories
Classification: Uncertain significance. Last evaluated: 2021-01-25. Review status: criteria provided, single submitter. Criteria: ARUP Molecular Germline Variant Investigation Process 2021. Collection method: clinical testing. Allele origin: germline.
Comment: The EGR2 c.854C>G; p.Ala285Gly variant, to our knowledge, is not reported in the medical literature or gene-specific databases. This variant is also absent from general population databases (Exome Variant Server, Genome Aggregation Database), indicating it is not a common polymorphism. The alanine at codon 285 is moderately conserved, but computational analyses predict that this variant is neutral (REVEL: 0.077). Due to limited information, the clinical significance of the p.Ala285Gly variant is uncertain at this time.